The following is an entry in ClinVar:

ClinVar aggregate classification (germline): Pathogenic. Review status: criteria provided, multiple submitters, no conflicts (2 of 4 stars). 4 submissions from 3 submitters: Pathogenic (2). 2 of the submissions do not count toward it. Last evaluated 2024-04-04.

Conditions:
Autosomal recessive retinitis pigmentosa. Identifiers: MedGen C0339526.
Retinal dystrophy. Also called: Inherited retinal dystrophy. Identifiers: Orphanet 71862, MedGen C0854723, MeSH D058499, MONDO:0019118, HP:0000556.
Retinitis pigmentosa 25 (RP25). Identifiers: Orphanet 791, MedGen C1864446, MONDO:0011272, OMIM 602772.

Submissions (4):

Genomic Medicine Center of Excellence, King Faisal Specialist Hospital and Research Centre
Classification: Pathogenic for Retinitis pigmentosa 25. Last evaluated: 2024-04-04. Review status: criteria provided, single submitter. Criteria: ACMG Guidelines, 2015. Collection method: clinical testing. Allele origin: germline.

Dept Of Ophthalmology, Nagoya University
Classification: Pathogenic for Retinal dystrophy. Last evaluated: 2023-10-01. Review status: criteria provided, single submitter. Criteria: Submitter's publication. Collection method: research. Allele origin: germline. Affected: yes.

Faculty of Health Sciences, Beirut Arab University
Classification: Pathogenic for Autosomal recessive Retinitis Pigmentosa. Last evaluated: 2015-09-10. Review status: no assertion criteria provided. Collection method: literature only. Allele origin: germline. Affected: yes. Observed: 1 variant allele. Not counted in ClinVar's aggregate classification.

Genomic Medicine Center of Excellence, King Faisal Specialist Hospital and Research Centre
Classification: Likely pathogenic. Review status: flagged submission. Criteria: ACMG Guidelines, 2015. Collection method: research. Allele origin: germline. Affected: yes. Not counted in ClinVar's aggregate classification.
ClinVar note: Reason: This record appears to be redundant with a more recent record from the same submitter.
ClinVar note: Notes: SCV000221724 appears to be redundant with SCV004810047.

Literature cited by the submitters: PubMed 26355662 (cited by Faculty of Health Sciences, Beirut Arab University).

NM_001142800.2(EYS):c.179del (p.Leu60fs)

Gene: EYS (eyes shut homolog; minus strand). Cytogenetic location: 6q12.
Variant type: Deletion.
Coding change: c.179del on transcript NM_001142800.2 (MANE Select); coding-DNA position 179, one base deleted (T; older notation c.179delT).
Protein change: p.Leu60fs; shifts the reading frame from leucine 60.
Molecular consequence: frameshift variant.
Genome position (GRCh38, 1-based): chr6:65,495,232, A deleted on the plus strand (T on the coding strand, the reverse complement: EYS is on the minus strand); the first of 5 consecutive A bases (chr6:65,495,232-65,495,236); deleting any one gives the same sequence. VCF-style (leftmost placement, unchanged base first): chr6-65495231-CA-C. GRCh37 (hg19) VCF-style: chr6-66205124-CA-C.
Other names: c.179del, p.Leu60fs (NM_001142801.2, NM_001292009.2, NM_198283.2); c.179delT (NM_001142800.2); short protein forms L60fs.
Identifiers: ClinVar variation 191332 (VCV000191332.4), dbSNP rs786205652, ClinGen allele CA236450.